The following is an entry in ClinVar:

ClinVar aggregate classification (germline): Uncertain significance (1 of 4 stars; one submission).

Conditions:
Ulnar-mammary syndrome (UMS). Also called: PALLISTER ULNAR-MAMMARY SYNDROME; Ulnar-mammary syndrome of Pallister; SCHINZEL SYNDROME. Identifiers: Orphanet 3138, MedGen C1866994, MONDO:0008411, OMIM 181450.

Allele frequency attached by ClinVar (database versions not stated): gnomAD 0.00001.

Submission:

Labcorp Genetics (formerly Invitae), Labcorp
Classification: Uncertain significance for Ulnar-mammary syndrome. Last evaluated: 2024-02-23. Review status: criteria provided, single submitter. Criteria: Invitae Variant Classification Sherloc (09022015). Collection method: clinical testing. Allele origin: germline.
Comment: This sequence change replaces alanine, which is neutral and non-polar, with valine, which is neutral and non-polar, at codon 645 of the TBX3 protein (p.Ala645Val). This variant is present in population databases (no rsID available, gnomAD 0.01%). This variant has not been reported in the literature in individuals affected with TBX3-related conditions. An algorithm developed to predict the effect of missense changes on protein structure and function (PolyPhen-2) suggests that this variant is likely to be tolerated. In summary, the available evidence is currently insufficient to determine the role of this variant in disease. Therefore, it has been classified as a Variant of Uncertain Significance.

NM_005996.4(TBX3):c.1934C>T (p.Ala645Val)

Gene: TBX3 (T-box transcription factor 3; minus strand). Cytogenetic location: 12q24.21.
Variant type: single nucleotide variant.
Coding change: c.1934C>T on transcript NM_005996.4 (MANE Select); coding-DNA position 1934, C replaced by T.
Protein change: p.Ala645Val; replaces alanine 645 with valine.
Molecular consequence: missense variant.
Genome position (GRCh38, 1-based): chr12:114,672,079, G>A on the plus strand (C>T on the coding strand, the complement: TBX3 is on the minus strand). VCF-style: chr12-114672079-G-A. GRCh37 (hg19) VCF-style: chr12-115109884-G-A.
Other names: c.1994C>T, p.Ala665Val (NM_016569.4); short protein forms A645V, A665V.
Identifiers: ClinVar variation 2815099 (VCV002815099.3), dbSNP rs1235095687, ClinGen allele CA386867885.